The following is an entry in ClinVar:

ClinVar aggregate classification (germline): Uncertain significance (1 of 4 stars; one submission).

Conditions:
Spermatogenic failure 37. Identifiers: MedGen C5193091, MONDO:0032744, OMIM 618429.

Submission:

Juno Genomics, Hangzhou Juno Genomics, Inc
Classification: Uncertain significance for Spermatogenic failure 37. Review status: criteria provided, single submitter. Criteria: ACMG Guidelines, 2015. Collection method: clinical testing. Allele origin: germline.
Comment: Absent from controls (or at extremely low frequency if recessive) in Genome Aggregation Database.;Multiple lines of computational evidence support a deleterious effect on the gene or gene product.

NM_001366900.1(TTC21A):c.802-5T>A

Gene: TTC21A (tetratricopeptide repeat domain 21A; plus strand). Cytogenetic location: 3p22.2.
Variant type: single nucleotide variant.
Coding change: c.802-5T>A on transcript NM_001366900.1 (MANE Select); 5 bases into the intron before coding-DNA position 802, T replaced by A.
Molecular consequence: intron variant.
Genome position (GRCh38, 1-based): chr3:39,119,917, T>A. VCF-style: chr3-39119917-T-A. GRCh37 (hg19) VCF-style: chr3-39161408-T-A.
Other names: c.826-5T>A (NM_001366899.1, NM_145755.3); c.679-5T>A (NM_001105513.3).
Identifiers: ClinVar variation 5006614 (VCV005006614.2).